The following is an entry in ClinVar:

NM_000127.3(EXT1):c.368A>G (p.Lys123Arg)

Gene: EXT1 (exostosin glycosyltransferase 1; minus strand). Cytogenetic location: 8q24.11.
Variant type: single nucleotide variant.
Coding change: c.368A>G on transcript NM_000127.3 (MANE Select); coding-DNA position 368, A replaced by G.
Protein change: p.Lys123Arg; replaces lysine 123 with arginine.
Molecular consequence: missense variant.
Genome position (GRCh38, 1-based): chr8:118,110,679, T>C on the plus strand (A>G on the coding strand, the complement: EXT1 is on the minus strand). VCF-style: chr8-118110679-T-C. GRCh37 (hg19) VCF-style: chr8-119122918-T-C.
Other names: short protein forms K123R.
Identifiers: ClinVar variation 1054605 (VCV001054605.9), dbSNP rs773394301, ClinGen allele CA4854366.

ClinVar aggregate classification (germline): Uncertain significance (1 of 4 stars; one submission).

Conditions:
Multiple congenital exostosis (EXT). Also called: Hereditary multiple osteochondromas; Hereditary multiple exostoses; Hereditary multiple exostosis; MULTIPLE CARTILAGINOUS EXOSTOSES; Multiple osteochondromas; Multiple exostoses. Identifiers: Orphanet 321, MedGen C0015306, MONDO:0005508, HP:0002762.

Allele frequency attached by ClinVar (database versions not stated): ExAC 0.00001; gnomAD 0.00001; gnomAD exomes 0.00001; TOPMed 0.00001.
gnomAD v4.1: 17 of 1,614,058 alleles (0.0011%); highest among the groups gnomAD compares: Middle Eastern, 0.033%; no homozygotes.

Submission:

Labcorp Genetics (formerly Invitae), Labcorp
Classification: Uncertain significance for Multiple congenital exostosis. Last evaluated: 2024-11-27. Review status: criteria provided, single submitter. Criteria: Invitae Variant Classification Sherloc (09022015). Collection method: clinical testing. Allele origin: germline.
Comment: This sequence change replaces lysine, which is basic and polar, with arginine, which is basic and polar, at codon 123 of the EXT1 protein (p.Lys123Arg). This variant is present in population databases (rs773394301, gnomAD 0.003%). This variant has not been reported in the literature in individuals affected with EXT1-related conditions. ClinVar contains an entry for this variant (Variation ID: 1054605). Invitae Evidence Modeling of protein sequence and biophysical properties (such as structural, functional, and spatial information, amino acid conservation, physicochemical variation, residue mobility, and thermodynamic stability) has been performed for this missense variant. However, the output from this modeling did not meet the statistical confidence thresholds required to predict the impact of this variant on EXT1 protein function. In summary, the available evidence is currently insufficient to determine the role of this variant in disease. Therefore, it has been classified as a Variant of Uncertain Significance.